The following is an entry in ClinVar:

ClinVar aggregate classification (germline): Uncertain significance (1 of 4 stars; one submission).

Conditions:
Immunodeficiency 35 (IMD35). Also called: TYK2 DEFICIENCY; HIES WITH ATYPICAL MYCOBACTERIOSIS, AUTOSOMAL RECESSIVE; HYPER-IgE SYNDROME WITH ATYPICAL MYCOBACTERIOSIS, AUTOSOMAL RECESSIVE; Susceptibility to infection due to TYK2 deficiency. Identifiers: Orphanet 331226, MedGen C1969086, MONDO:0012682, OMIM 611521.

Allele frequency attached by ClinVar (database versions not stated): gnomAD exomes 0.00001.
gnomAD v4.1: 8 of 1,614,138 alleles (0.0005%); highest among the groups gnomAD compares: Non-Finnish European, 0.00068%; no homozygotes.

Submission:

Labcorp Genetics (formerly Invitae), Labcorp
Classification: Uncertain significance for Immunodeficiency 35. Last evaluated: 2020-02-27. Review status: criteria provided, single submitter. Criteria: Invitae Variant Classification Sherloc (09022015). Collection method: clinical testing. Allele origin: germline.
Comment: In summary, the available evidence is currently insufficient to determine the role of this variant in disease. Therefore, it has been classified as a Variant of Uncertain Significance. Algorithms developed to predict the effect of missense changes on protein structure and function are either unavailable or do not agree on the potential impact of this missense change (SIFT: "Not Available"; PolyPhen-2: "Benign"; Align-GVGD: "Not Available"). This variant has not been reported in the literature in individuals with TYK2-related conditions. This variant is not present in population databases (ExAC no frequency). This sequence change replaces proline with arginine at codon 94 of the TYK2 protein (p.Pro94Arg). The proline residue is weakly conserved and there is a moderate physicochemical difference between proline and arginine.

NM_003331.5(TYK2):c.281C>G (p.Pro94Arg)

Gene: TYK2 (tyrosine kinase 2; minus strand). Cytogenetic location: 19p13.2.
Variant type: single nucleotide variant.
Coding change: c.281C>G on transcript NM_003331.5 (MANE Select); coding-DNA position 281, C replaced by G.
Protein change: p.Pro94Arg; replaces proline 94 with arginine.
Molecular consequence: missense variant.
Genome position (GRCh38, 1-based): chr19:10,368,331, G>C on the plus strand (C>G on the coding strand, the complement: TYK2 is on the minus strand). VCF-style: chr19-10368331-G-C. GRCh37 (hg19) VCF-style: chr19-10479007-G-C.
Other names: c.281C>G, p.Pro94Arg (NM_001385197.1, NM_001385198.1, NM_001385199.1 and 8 more transcripts); short protein forms P94R.
Identifiers: ClinVar variation 999707 (VCV000999707.7), dbSNP rs765557425, ClinGen allele CA404020033.